The following is an entry in ClinVar:

NM_001136191.3(KANK2):c.599G>A (p.Arg200Gln)

Gene: KANK2 (KN motif and ankyrin repeat domains 2; minus strand). Cytogenetic location: 19p13.2.
Variant type: single nucleotide variant.
Coding change: c.599G>A on transcript NM_001136191.3 (MANE Select); coding-DNA position 599, G replaced by A.
Protein change: p.Arg200Gln; replaces arginine 200 with glutamine.
Molecular consequence: missense variant.
Genome position (GRCh38, 1-based): chr19:11,193,481, C>T on the plus strand (G>A on the coding strand, the complement: KANK2 is on the minus strand). VCF-style: chr19-11193481-C-T. GRCh37 (hg19) VCF-style: chr19-11304157-C-T.
Other names: c.599G>A, p.Arg200Gln (NM_001329451.2, NM_001379548.1, NM_001379549.1 and 15 more transcripts); short protein forms R200Q.
Identifiers: ClinVar variation 1515465 (VCV001515465.6), dbSNP rs141399766, ClinGen allele CA305358398.

ClinVar aggregate classification (germline): Uncertain significance (1 of 4 stars; one submission).

Allele frequency attached by ClinVar (database versions not stated): gnomAD exomes 0.00002 and 0.00004; TOPMed 0.00004; ESP Exome Variant Server 0.00008; gnomAD 0.00003 and 0.00004.
gnomAD v4.1: 57 of 1,611,008 alleles (0.0035%); highest among the groups gnomAD compares: African/African-American, 0.0093%; no homozygotes.

Submission:

Labcorp Genetics (formerly Invitae), Labcorp
Classification: Uncertain significance. Last evaluated: 2024-08-05. Review status: criteria provided, single submitter. Criteria: Invitae Variant Classification Sherloc (09022015). Collection method: clinical testing. Allele origin: germline.
Comment: This sequence change replaces arginine, which is basic and polar, with glutamine, which is neutral and polar, at codon 200 of the KANK2 protein (p.Arg200Gln). This variant is present in population databases (rs141399766, gnomAD 0.009%). This variant has not been reported in the literature in individuals affected with KANK2-related conditions. ClinVar contains an entry for this variant (Variation ID: 1515465). An algorithm developed to predict the effect of missense changes on protein structure and function (PolyPhen-2) suggests that this variant is likely to be disruptive. In summary, the available evidence is currently insufficient to determine the role of this variant in disease. Therefore, it has been classified as a Variant of Uncertain Significance.